The following is an entry in ClinVar:

NM_000548.5(TSC2):c.4093T>A (p.Ser1365Thr)

Gene: TSC2 (TSC complex subunit 2; plus strand). Cytogenetic location: 16p13.3.
Variant type: single nucleotide variant.
Coding change: c.4093T>A on transcript NM_000548.5 (MANE Select); coding-DNA position 4093, T replaced by A.
Protein change: p.Ser1365Thr; replaces serine 1365 with threonine.
Molecular consequence: missense variant. On other transcripts: non-coding transcript variant (5).
Genome position (GRCh38, 1-based): chr16:2,084,315, T>A. VCF-style: chr16-2084315-T-A. GRCh37 (hg19) VCF-style: chr16-2134316-T-A.
Other names: c.3892T>A, p.Ser1298Thr (NM_001077183.3); c.4024T>A, p.Ser1342Thr (NM_001114382.3); c.3784T>A, p.Ser1262Thr (NM_001318827.2); c.3748T>A, p.Ser1250Thr (NM_001318829.2); c.3361T>A, p.Ser1121Thr (NM_001318831.2); c.3925T>A, p.Ser1309Thr (NM_001318832.2); c.3895T>A, p.Ser1299Thr (NM_001363528.2); c.3961T>A, p.Ser1321Thr (NM_001370404.1); and 26 more; short protein forms S1099T, S1141T, S1145T, S1249T, S1262T, S1322T, S1365T, S874T.
Identifiers: ClinVar variation 2564695 (VCV002564695.2), dbSNP rs2544259594, ClinGen allele CA394299465.

ClinVar aggregate classification (germline): Uncertain significance (1 of 4 stars; one submission).

Conditions:
Hereditary cancer-predisposing syndrome. Also called: Neoplastic Syndromes, Hereditary; Hereditary Cancer Syndrome; Hereditary neoplastic syndrome; Tumor predisposition. Identifiers: Orphanet 140162, MedGen C0027672, MeSH D009386, MONDO:0015356.

Submission:

Ambry Genetics
Classification: Uncertain significance for Hereditary cancer-predisposing syndrome. Last evaluated: 2023-04-18. Review status: criteria provided, single submitter. Criteria: Ambry Variant Classification Scheme 2023. Collection method: clinical testing. Allele origin: germline.
Comment: The p.S1365T variant (also known as c.4093T>A), located in coding exon 33 of the TSC2 gene, results from a T to A substitution at nucleotide position 4093. The serine at codon 1365 is replaced by threonine, an amino acid with similar properties. This amino acid position is conserved. In addition, the in silico prediction for this alteration is inconclusive. Since supporting evidence is limited at this time, the clinical significance of this alteration remains unclear.